The following is an entry in ClinVar:

ClinVar aggregate classification (germline): Benign/Likely benign. Review status: criteria provided, multiple submitters, no conflicts (2 of 4 stars). 6 submissions from 6 submitters: Benign (4); Likely benign (2). Last evaluated 2026-05-11.

Conditions:
Rothmund-Thomson syndrome type 1 (RTS1). Also called: POIKILODERMA ATROPHICANS AND CATARACT. Identifiers: Orphanet 221008, MedGen C5231433, MONDO:0016368, OMIM 618625.

Allele frequency attached by ClinVar (database versions not stated): 1000 Genomes Project 0.00399; 1000 Genomes Project 30x 0.00422; TOPMed 0.00798; gnomAD 0.00811 and 0.00824; gnomAD exomes 0.00862 and 0.01132; ESP Exome Variant Server 0.00915; ExAC 0.00918.
gnomAD v4.1: 17,699 of 1,610,706 alleles (1.1%); highest among the groups gnomAD compares: Middle Eastern, 1.5%; 117 homozygotes.

Submissions (6):

Women's Health and Genetics/Laboratory Corporation of America, LabCorp
Classification: Likely benign. Last evaluated: 2026-05-11. Review status: criteria provided, single submitter. Criteria: LabCorp Variant Classification Summary - May 2015. Collection method: clinical testing. Allele origin: germline.

CeGaT Center for Human Genetics Tuebingen
Classification: Benign. Last evaluated: 2026-05-01. Review status: criteria provided, single submitter. Criteria: CeGaT Center For Human Genetics Tuebingen Variant Classification Criteria Version 2. Collection method: clinical testing. Allele origin: germline. Affected: yes. Observed: 7 variant alleles.
Comment: ANAPC1: BS1, BS2

Genomic Medicine Center of Excellence, King Faisal Specialist Hospital and Research Centre
Classification: Likely benign. Last evaluated: 2025-08-18. Review status: criteria provided, single submitter. Criteria: ACMG Guidelines, 2015. Collection method: clinical testing. Allele origin: germline.

Genome-Nilou Lab
Classification: Benign for Rothmund-Thomson syndrome type 1. Last evaluated: 2021-05-18. Review status: criteria provided, single submitter. Criteria: ACMG Guidelines, 2015. Collection method: clinical testing. Allele origin: germline. Affected: no.

Labcorp Genetics (formerly Invitae), Labcorp
Classification: Benign. Last evaluated: 2019-12-31. Review status: criteria provided, single submitter. Criteria: Invitae Variant Classification Sherloc (09022015). Collection method: clinical testing. Allele origin: germline.

Breakthrough Genomics
Classification: Benign. Review status: criteria provided, single submitter. Criteria: ACMG Guidelines, 2015. Collection method: not provided. Allele origin: germline. Inheritance: Autosomal recessive inheritance. Affected: yes.

NM_022662.4(ANAPC1):c.2513C>T (p.Thr838Met)

Gene: ANAPC1 (anaphase promoting complex subunit 1; minus strand). Cytogenetic location: 2q13.
Variant type: single nucleotide variant.
Coding change: c.2513C>T on transcript NM_022662.4 (MANE Select); coding-DNA position 2513, C replaced by T.
Protein change: p.Thr838Met; replaces threonine 838 with methionine.
Molecular consequence: missense variant.
Genome position (GRCh38, 1-based): chr2:111,831,398, G>A on the plus strand (C>T on the coding strand, the complement: ANAPC1 is on the minus strand). VCF-style: chr2-111831398-G-A. GRCh37 (hg19) VCF-style: chr2-112588975-G-A.
Other names: short protein forms T838M.
Identifiers: ClinVar variation 778261 (VCV000778261.34), dbSNP rs147457004, ClinGen allele CA1830137.